The following is an entry in ClinVar:

ClinVar aggregate classification (germline): Likely benign. Review status: criteria provided, multiple submitters, no conflicts (2 of 4 stars). 4 submissions from 4 submitters: Likely benign (2). 2 of the submissions do not count toward it. Last evaluated 2025-04-24.

Conditions:
Dilated cardiomyopathy 1AA (CMD1AA). Also called: Cardiomyopathy, dilated, 1AA, with or without LVNC; CARDIOMYOPATHY, DILATED, 1AA, WITH OR WITHOUT LEFT VENTRICULAR NONCOMPACTION; CARDIOMYOPATHY, FAMILIAL HYPERTROPHIC, 23, WITH OR WITHOUT LEFT VENTRICULAR NONCOMPACTION. Identifiers: Orphanet 154, MedGen C2677338, MONDO:0012808, OMIM 612158.
Primary familial hypertrophic cardiomyopathy (HCM). Identifiers: Orphanet 99739, MedGen C0949658, MeSH D024741, MONDO:0024573. Inheritance: Various modes of inheritance.

Allele frequency attached by ClinVar (database versions not stated): TOPMed 0.00002; ExAC 0.00002; gnomAD exomes 0.00002 and 0.00003.
gnomAD v4.1: 37 of 1,614,198 alleles (0.0023%); highest among the groups gnomAD compares: East Asian, 0.0067%; no homozygotes.

Submissions (4):

Labcorp Genetics (formerly Invitae), Labcorp
Classification: Likely benign for Primary familial hypertrophic cardiomyopathy; Dilated cardiomyopathy 1AA. Last evaluated: 2025-04-24. Review status: criteria provided, single submitter. Criteria: Invitae Variant Classification Sherloc (09022015). Collection method: clinical testing. Allele origin: germline.

Laboratory for Molecular Medicine, Mass General Brigham Personalized Medicine
Classification: Likely benign. Last evaluated: 2012-12-10. Review status: criteria provided, single submitter. Criteria: LMM Criteria. Collection method: clinical testing. Allele origin: germline. Observed: 2 variant alleles.
Comment: His254His in exon 8 of ACTN2: This variant is not expected to have clinical sign ificance because it does not alter an amino acid residue and is not located with in the splice consensus sequence. His254His in exon 8 of ACTN2 (allele frequenc y = n/a)

Clinical Genetics, Academic Medical Center
Classification: Benign. Review status: no assertion criteria provided. Collection method: clinical testing. Allele origin: germline. Affected: yes. Study: VKGL Data-share Consensus. Not counted in ClinVar's aggregate classification.

Joint Genome Diagnostic Labs from Nijmegen and Maastricht, Radboudumc and MUMC+
Classification: Likely benign. Review status: no assertion criteria provided. Collection method: clinical testing. Allele origin: germline. Affected: yes. Study: VKGL Data-share Consensus. Not counted in ClinVar's aggregate classification.

NM_001103.4(ACTN2):c.762C>T (p.His254=)

Gene: ACTN2 (actinin alpha 2; plus strand). Cytogenetic location: 1q43.
Variant type: single nucleotide variant.
Coding change: c.762C>T on transcript NM_001103.4 (MANE Select); coding-DNA position 762, C replaced by T.
Protein change: p.His254=; no amino-acid change (histidine 254 retained).
Molecular consequence: synonymous variant. On other transcripts: intron variant (1).
Genome position (GRCh38, 1-based): chr1:236,735,699, C>T. VCF-style: chr1-236735699-C-T. GRCh37 (hg19) VCF-style: chr1-236898999-C-T.
Other names: c.27C>T, p.His9= (NM_001278344.2); c.783+1181C>T (NM_001278343.2).
Identifiers: ClinVar variation 43946 (VCV000043946.17), dbSNP rs397516584, ClinGen allele CA133216.